The following is an entry in ClinVar:

ClinVar aggregate classification (germline): Uncertain significance. Review status: criteria provided, multiple submitters, no conflicts (2 of 4 stars). 2 submissions from 2 submitters: Uncertain significance (2). Last evaluated 2026-01-05.

Allele frequency attached by ClinVar (database versions not stated): gnomAD 0.00003; TOPMed 0.00004.
gnomAD v4.1: 51 of 1,613,734 alleles (0.0032%); highest among the groups gnomAD compares: Admixed American, 0.047%; no homozygotes.

Submissions (2):

Labcorp Genetics (formerly Invitae), Labcorp
Classification: Uncertain significance. Last evaluated: 2026-01-05. Review status: criteria provided, single submitter. Criteria: Invitae Variant Classification Sherloc (09022015). Collection method: clinical testing. Allele origin: germline.
Comment: This sequence change replaces serine, which is neutral and polar, with leucine, which is neutral and non-polar, at codon 598 of the ADGRA3 protein (p.Ser598Leu). This variant is present in population databases (rs754733366, gnomAD 0.07%), and has an allele count higher than expected for a pathogenic variant. This variant has not been reported in the literature in individuals affected with ADGRA3-related conditions. ClinVar contains an entry for this variant (Variation ID: 965606). An algorithm developed to predict the effect of missense changes on protein structure and function (PolyPhen-2) suggests that this variant is likely to be disruptive. In summary, the available evidence is currently insufficient to determine the role of this variant in disease. Therefore, it has been classified as a Variant of Uncertain Significance.

Ambry Genetics
Classification: Uncertain significance. Last evaluated: 2025-08-20. Review status: criteria provided, single submitter. Criteria: Ambry Variant Classification Scheme 2023. Collection method: clinical testing. Allele origin: germline.

NM_145290.4(ADGRA3):c.1793C>T (p.Ser598Leu)

Gene: ADGRA3 (adhesion G protein-coupled receptor A3; minus strand). Cytogenetic location: 4p15.2.
Variant type: single nucleotide variant.
Coding change: c.1793C>T on transcript NM_145290.4 (MANE Select); coding-DNA position 1793, C replaced by T.
Protein change: p.Ser598Leu; replaces serine 598 with leucine.
Molecular consequence: missense variant.
Genome position (GRCh38, 1-based): chr4:22,420,902, G>A on the plus strand (C>T on the coding strand, the complement: ADGRA3 is on the minus strand). VCF-style: chr4-22420902-G-A. GRCh37 (hg19) VCF-style: chr4-22422525-G-A.
Other names: c.1793C>T (NM_145290.2); short protein forms S598L.
Identifiers: ClinVar variation 965606 (VCV000965606.8), dbSNP rs754733366, ClinGen allele CA2873850.